The following is an entry in ClinVar:

NM_014014.5(SNRNP200):c.5284C>T (p.Arg1762Cys)

Genes: SNRNP200 (small nuclear ribonucleoprotein U5 subunit 200; minus strand), LOC126806272 (BRD4-independent group 4 enhancer GRCh37_chr2:96944520-96945719; plus strand). Cytogenetic location: 2q11.2.
Variant type: single nucleotide variant.
Coding change: c.5284C>T on transcript NM_014014.5 (MANE Select); coding-DNA position 5284, C replaced by T.
Protein change: p.Arg1762Cys; replaces arginine 1762 with cysteine.
Molecular consequence: missense variant.
Genome position (GRCh38, 1-based): chr2:96,278,848, G>A on the plus strand (C>T on the coding strand, the complement: SNRNP200 is on the minus strand). VCF-style: chr2-96278848-G-A. GRCh37 (hg19) VCF-style: chr2-96944586-G-A.
Other names: short protein forms R1762C.
Identifiers: ClinVar variation 1966366 (VCV001966366.5), dbSNP rs1351071469, ClinGen allele CA347659682.
Genomic context (GRCh38, chr2:96,278,848, plus strand): 5'-TGTGCTCCCAAGCCCACTGACCCTGCAGGTTGTAGTAATTGGGGTTCTGTGTCATGCGGC[G>A]GTACAGAAAGGTCCAGGTGAGGTAGTCCACAGCATCCTGCTTGTTCTCAATGGTCTTGGT-3'
Protein context (NP_054733.2, residues 1752-1772): VDYLTWTFLY[Arg1762Cys]RMTQNPNYYN

ClinVar aggregate classification (germline): Uncertain significance (1 of 4 stars; one submission).

Allele frequency attached by ClinVar (database versions not stated): gnomAD exomes 0.00001; TOPMed 0.00001; gnomAD 0.00001.
gnomAD v4.1: 4 of 1,614,018 alleles (0.00025%); highest among the groups gnomAD compares: African/African-American, 0.0013%; no homozygotes.

Submission:

Labcorp Genetics (formerly Invitae), Labcorp
Classification: Uncertain significance. Last evaluated: 2023-08-10. Review status: criteria provided, single submitter. Criteria: Invitae Variant Classification Sherloc (09022015). Collection method: clinical testing. Allele origin: germline.
Comment: This sequence change replaces arginine, which is basic and polar, with cysteine, which is neutral and slightly polar, at codon 1762 of the SNRNP200 protein (p.Arg1762Cys). This variant is present in population databases (no rsID available, gnomAD 0.002%). This variant has not been reported in the literature in individuals affected with SNRNP200-related conditions. ClinVar contains an entry for this variant (Variation ID: 1966366). Advanced modeling of protein sequence and biophysical properties (such as structural, functional, and spatial information, amino acid conservation, physicochemical variation, residue mobility, and thermodynamic stability) performed at Invitae indicates that this missense variant is expected to disrupt SNRNP200 protein function. In summary, the available evidence is currently insufficient to determine the role of this variant in disease. Therefore, it has been classified as a Variant of Uncertain Significance.